The following is an entry in ClinVar:

NM_000245.4(MET):c.2887+6T>C

Gene: MET (MET proto-oncogene, receptor tyrosine kinase; plus strand). Cytogenetic location: 7q31.2.
Variant type: single nucleotide variant.
Coding change: c.2887+6T>C on transcript NM_000245.4 (MANE Select); 6 bases into the intron after coding-DNA position 2887, T replaced by C.
Molecular consequence: intron variant.
Genome position (GRCh38, 1-based): chr7:116,771,660, T>C. VCF-style: chr7-116771660-T-C. GRCh37 (hg19) VCF-style: chr7-116411714-T-C.
Other names: c.2941+6T>C (LRG_662t1, NM_001127500.3); c.1597+6T>C (NM_001324402.2).
Identifiers: ClinVar variation 657173 (VCV000657173.10), dbSNP rs1584955059, ClinGen allele CA915945446.

ClinVar aggregate classification (germline): Uncertain significance (1 of 4 stars; one submission).

Conditions:
Renal cell carcinoma. Identifiers: Orphanet 217071, MedGen C0007134, MeSH D002292, MONDO:0005086, HP:0005584.

Allele frequency attached by ClinVar (database versions not stated): TOPMed below 0.00001.

Submission:

Labcorp Genetics (formerly Invitae), Labcorp
Classification: Uncertain significance for Renal cell carcinoma. Last evaluated: 2018-08-15. Review status: criteria provided, single submitter. Criteria: Invitae Variant Classification Sherloc (09022015). Collection method: clinical testing. Allele origin: germline.
Comment: This sequence change falls in intron 13 of the MET gene. It does not directly change the encoded amino acid sequence of the MET protein, but it affects a nucleotide within the consensus splice site of the intron. This variant is not present in population databases (ExAC no frequency). This variant has not been reported in the literature in individuals with MET-related disease. Nucleotide substitutions within the consensus splice site are a relatively common cause of aberrant splicing (PMID: 17576681, 9536098). Algorithms developed to predict the effect of sequence changes on RNA splicing suggest that this variant is not likely to affect RNA splicing, but this prediction has not been confirmed by published transcriptional studies. In summary, the available evidence is currently insufficient to determine the role of this variant in disease. Therefore, it has been classified as a Variant of Uncertain Significance.

Literature cited by the submitters: PubMed 17576681; PubMed 9536098.